The following is an entry in ClinVar:

NM_015015.3(KDM4B):c.2901+62_2901+63insCGAGAGCATCACGGTGAGCTGTGGGGTGGGGCAGGGGGCGGGGGGAGGCTGGGAGCACAGCGACAACCTGTACCC

Gene: KDM4B (lysine demethylase 4B; plus strand). Cytogenetic location: 19p13.3.
Variant type: Microsatellite.
Coding change: c.2901+62_2901+63insCGAGAGCATCACGGTGAGCTGTGGGGTGGGGCAGGGGGCGGGGGGAGGCTGGGAGCACAGCGACAACCTGTACCC on transcript NM_015015.3 (MANE Select); bases 62 to 63 of the intron after coding-DNA position 2901, CGAGAGCATCACGGTGAGCTGTGGGGTGGGGCAGGGGGCGGGGGGAGGCTGGGAGCACAGCGACAACCTGTACCC inserted.
Molecular consequence: splice donor variant.
Genome position: GRCh38: chr19:5,144,401-5,144,474. GRCh37 (hg19): chr19:5,144,412-5,144,485.
Identifiers: ClinVar variation 2007530 (VCV002007530.5).

ClinVar aggregate classification (germline): Conflicting classifications of pathogenicity. Review status: criteria provided, conflicting classifications (1 of 4 stars). 2 submissions from 2 submitters: Uncertain significance (1); Benign (1). Last evaluated 2026-01-15.

Submissions (2):

Labcorp Genetics (formerly Invitae), Labcorp
Classification: Benign. Last evaluated: 2026-01-15. Review status: criteria provided, single submitter. Criteria: Invitae Variant Classification Sherloc (09022015). Collection method: clinical testing. Allele origin: germline.

GeneDx
Classification: Uncertain significance. Last evaluated: 2024-08-28. Review status: criteria provided, single submitter. Criteria: GeneDx Variant Classification Process June 2021. Collection method: clinical testing. Allele origin: germline. Affected: yes.
Comment: Has not been previously published as pathogenic or benign to our knowledge; No data available from control populations to assess the frequency of this variant; In silico analysis suggests this variant may impact gene splicing. In the absence of RNA/functional studies, the actual effect of this sequence change is unknown.